The following is an entry in ClinVar:

NM_001843.4(CNTN1):c.701_703dup (p.Glu234_Arg235insGln)

Gene: CNTN1 (contactin 1; plus strand). Cytogenetic location: 12q12.
Variant type: Duplication.
Coding change: c.701_703dup on transcript NM_001843.4 (MANE Select); coding-DNA positions 701 to 703, 3 bases duplicated (AAC; older notation c.701_703dupAAC).
Protein change: p.Glu234_Arg235insGln.
Molecular consequence: inframe insertion.
Genome position (GRCh38, 1-based): chr12:40,930,000-40,930,002, AAC duplicated. VCF-style (leftmost placement, unchanged base first): chr12-40929999-G-GAAC. GRCh37 (hg19) VCF-style: chr12-41323801-G-GAAC.
Other names: c.701_703dup, p.Glu234_Arg235insGln (NM_001256063.2, NM_001256064.2); c.668_670dup, p.Glu223_Arg224insGln (NM_175038.2).
Identifiers: ClinVar variation 2122612 (VCV002122612.4), dbSNP rs2499415152, ClinGen allele CA2580085432.

ClinVar aggregate classification (germline): Uncertain significance (1 of 4 stars; one submission).

Conditions:
Compton-North congenital myopathy (CMYO12). Identifiers: Orphanet 210163, MedGen C2675527, MONDO:0012929, OMIM 612540.

Submission:

Labcorp Genetics (formerly Invitae), Labcorp
Classification: Uncertain significance for Compton-North congenital myopathy. Last evaluated: 2022-06-14. Review status: criteria provided, single submitter. Criteria: Invitae Variant Classification Sherloc (09022015). Collection method: clinical testing. Allele origin: germline.
Comment: This variant, c.701_703dup, results in the insertion of 1 amino acid(s) of the CNTN1 protein (Splice site), but otherwise preserves the integrity of the reading frame. This variant is not present in population databases (gnomAD no frequency). This variant has not been reported in the literature in individuals affected with CNTN1-related conditions. In summary, the available evidence is currently insufficient to determine the role of this variant in disease. Therefore, it has been classified as a Variant of Uncertain Significance.